The following is an entry in ClinVar:

ClinVar aggregate classification (germline): Uncertain significance (1 of 4 stars; one submission).

Conditions:
Developmental and epileptic encephalopathy, 37 (DEE37). Also called: Epileptic encephalopathy, early infantile, 37. Identifiers: MedGen C4310770, MONDO:0014859, OMIM 616981.

Allele frequency attached by ClinVar (database versions not stated): gnomAD 0.00003 and 0.00004; TOPMed 0.00003.

Submission:

Labcorp Genetics (formerly Invitae), Labcorp
Classification: Uncertain significance for Developmental and epileptic encephalopathy, 37. Last evaluated: 2022-07-13. Review status: criteria provided, single submitter. Criteria: Invitae Variant Classification Sherloc (09022015). Collection method: clinical testing. Allele origin: germline.
Comment: In summary, the available evidence is currently insufficient to determine the role of this variant in disease. Therefore, it has been classified as a Variant of Uncertain Significance. Algorithms developed to predict the effect of missense changes on protein structure and function are either unavailable or do not agree on the potential impact of this missense change (SIFT: "Tolerated"; PolyPhen-2: "Possibly Damaging"; Align-GVGD: "Class C0"). ClinVar contains an entry for this variant (Variation ID: 649936). This variant has not been reported in the literature in individuals affected with FRRS1L-related conditions. The frequency data for this variant in the population databases is considered unreliable, as metrics indicate insufficient coverage at this position in the gnomAD database. This sequence change replaces leucine, which is neutral and non-polar, with phenylalanine, which is neutral and non-polar, at codon 67 of the FRRS1L protein (p.Leu67Phe).

NM_014334.4(FRRS1L):c.46C>T (p.Leu16Phe)

Gene: FRRS1L (ferric chelate reductase 1 like; minus strand). Cytogenetic location: 9q31.3.
Variant type: single nucleotide variant.
Coding change: c.46C>T on transcript NM_014334.4 (MANE Select); coding-DNA position 46, C replaced by T.
Protein change: p.Leu16Phe; replaces leucine 16 with phenylalanine.
Molecular consequence: missense variant.
Genome position (GRCh38, 1-based): chr9:109,167,093, G>A on the plus strand (C>T on the coding strand, the complement: FRRS1L is on the minus strand). VCF-style: chr9-109167093-G-A. GRCh37 (hg19) VCF-style: chr9-111929373-G-A.
Other names: short protein forms L16F.
Identifiers: ClinVar variation 649936 (VCV000649936.9), dbSNP rs1199711385, ClinGen allele CA374430608.